The following is an entry in ClinVar:

NM_003721.4(RFXANK):c.438+4C>T

Gene: RFXANK (regulatory factor X associated ankyrin containing protein; plus strand). Cytogenetic location: 19p13.11.
Variant type: single nucleotide variant.
Coding change: c.438+4C>T on transcript NM_003721.4 (MANE Select); 4 bases into the intron after coding-DNA position 438, C replaced by T.
Molecular consequence: intron variant.
Genome position (GRCh38, 1-based): chr19:19,197,625, C>T. VCF-style: chr19-19197625-C-T. GRCh37 (hg19) VCF-style: chr19-19308434-C-T.
Other names: c.372+4C>T (NM_001278727.2, NM_001370234.1); c.369+4C>T (NM_134440.3, NM_001278728.2); c.435+4C>T (NM_001370235.1, NM_001370237.1, NM_001370236.1); c.438+4C>T (NM_001370238.1, NM_001370233.1).
Identifiers: ClinVar variation 660657 (VCV000660657.5), dbSNP rs749058206, ClinGen allele CA9322741.

ClinVar aggregate classification (germline): Uncertain significance. Review status: criteria provided, multiple submitters, no conflicts (2 of 4 stars). 2 submissions from 2 submitters: Uncertain significance (2). Last evaluated 2022-06-09.

Conditions:
MHC class II deficiency. Also called: BLS, TYPE II; Bare lymphocyte syndrome 2. Identifiers: Orphanet 572, MedGen C5447452, MONDO:0008855.

Allele frequency attached by ClinVar (database versions not stated): gnomAD exomes 0.00001; TOPMed 0.00001; ExAC 0.00003.
gnomAD v4.1: 17 of 1,613,064 alleles (0.0011%); highest among the groups gnomAD compares: East Asian, 0.0022%; no homozygotes.

Submissions (2):

Labcorp Genetics (formerly Invitae), Labcorp
Classification: Uncertain significance for MHC class II deficiency. Last evaluated: 2022-06-09. Review status: criteria provided, single submitter. Criteria: Invitae Variant Classification Sherloc (09022015). Collection method: clinical testing. Allele origin: germline.
Comment: Variants that disrupt the consensus splice site are a relatively common cause of aberrant splicing (PMID: 17576681, 9536098). Algorithms developed to predict the effect of sequence changes on RNA splicing suggest that this variant may create or strengthen a splice site. ClinVar contains an entry for this variant (Variation ID: 660657). This variant has not been reported in the literature in individuals affected with RFXANK-related conditions. This variant is present in population databases (rs749058206, gnomAD 0.002%). This sequence change falls in intron 6 of the RFXANK gene. It does not directly change the encoded amino acid sequence of the RFXANK protein. It affects a nucleotide within the consensus splice site. In summary, the available evidence is currently insufficient to determine the role of this variant in disease. Therefore, it has been classified as a Variant of Uncertain Significance.

Blueprint Genetics
Classification: Uncertain significance. Last evaluated: 2020-05-06. Review status: criteria provided, single submitter. Criteria: ACMG Guidelines, 2015. Collection method: clinical testing. Allele origin: germline.

Literature cited by the submitters: PubMed 17576681 (cited by Labcorp Genetics (formerly Invitae), Labcorp); PubMed 9536098 (cited by Labcorp Genetics (formerly Invitae), Labcorp).